The following is an entry in ClinVar:

NM_000062.3(SERPING1):c.826C>T (p.Arg276Trp)

Gene: SERPING1 (serpin family G member 1; plus strand). Cytogenetic location: 11q12.1.
Variant type: single nucleotide variant.
Coding change: c.826C>T on transcript NM_000062.3 (MANE Select); coding-DNA position 826, C replaced by T.
Protein change: p.Arg276Trp; replaces arginine 276 with tryptophan.
Molecular consequence: missense variant.
Genome position (GRCh38, 1-based): chr11:57,606,150, C>T. VCF-style: chr11-57606150-C-T. GRCh37 (hg19) VCF-style: chr11-57373623-C-T.
Other names: c.826C>T, p.Arg276Trp (NM_001032295.2); short protein forms R276W.
Identifiers: ClinVar variation 1304947 (VCV001304947.9), dbSNP rs768520560, ClinGen allele CA6008125.

ClinVar aggregate classification (germline): Conflicting classifications of pathogenicity. Review status: criteria provided, conflicting classifications (1 of 4 stars). 2 submissions from 2 submitters: Uncertain significance (1); Likely benign (1). Last evaluated 2025-02-03.

Allele frequency attached by ClinVar (database versions not stated): gnomAD exomes 0.00001 and 0.00002; ExAC 0.00003; gnomAD 0.00003 and 0.00004; TOPMed 0.00003.
gnomAD v4.1: 26 of 1,614,034 alleles (0.0016%); highest among the groups gnomAD compares: Admixed American, 0.0083%; no homozygotes.

Submissions (2):

Labcorp Genetics (formerly Invitae), Labcorp
Classification: Likely benign. Last evaluated: 2025-02-03. Review status: criteria provided, single submitter. Criteria: Invitae Variant Classification Sherloc (09022015). Collection method: clinical testing. Allele origin: germline.

GeneDx
Classification: Uncertain significance. Last evaluated: 2020-01-03. Review status: criteria provided, single submitter. Criteria: GeneDx Variant Classification Process June 2021. Collection method: clinical testing. Allele origin: germline. Affected: yes.
Comment: In silico analysis, which includes protein predictors and evolutionary conservation, supports a deleterious effect; Has not been previously published as pathogenic or benign to our knowledge